The following is an entry in ClinVar:

NM_001244008.2(KIF1A):c.4143G>A (p.Pro1381=)

Gene: KIF1A (kinesin family member 1A; minus strand). Cytogenetic location: 2q37.3.
Variant type: single nucleotide variant.
Coding change: c.4143G>A on transcript NM_001244008.2 (MANE Select); coding-DNA position 4143, G replaced by A.
Protein change: p.Pro1381=; no amino-acid change (proline 1381 retained).
Molecular consequence: synonymous variant.
Genome position (GRCh38, 1-based): chr2:240,725,384, C>T on the plus strand (G>A on the coding strand, the complement: KIF1A is on the minus strand). VCF-style: chr2-240725384-C-T. GRCh37 (hg19) VCF-style: chr2-241664801-C-T.
Other names: p.P1280P:CCG>CCA; p.Pro1280=; c.3867G>A, p.Pro1289= (NM_001320705.2, NM_001379649.1); c.3894G>A, p.Pro1298= (NM_001330289.2); c.3942G>A, p.Pro1314= (NM_001330290.2, NM_001379648.1); c.4218G>A, p.Pro1406= (NM_001379631.1); c.4119G>A, p.Pro1373= (NM_001379632.1); c.4116G>A, p.Pro1372= (NM_001379633.1, NM_001379645.1); and 10 more.
Identifiers: ClinVar variation 129393 (VCV000129393.29), dbSNP rs2241683, ClinGen allele CA153373.

ClinVar aggregate classification (germline): Benign. Review status: criteria provided, multiple submitters, no conflicts (2 of 4 stars). 9 submissions from 9 submitters: Benign (8). 1 of the submissions does not count toward it. Last evaluated 2026-02-03.

Conditions:
Inborn genetic diseases. Identifiers: MedGen C0950123, MeSH D030342.
Hereditary spastic paraplegia 30. Identifiers: Orphanet 101010, MedGen C5235139, MONDO:0012476.
Neuropathy, hereditary sensory, type 2C. Also called: Hereditary sensory and autonomic neuropathy type IIC; KIF1A-Related HSAN2 (HSAN2C). Identifiers: Orphanet 970, MedGen C3280168, MONDO:0013634, OMIM 614213.
Intellectual disability, autosomal dominant 9 (NESCAVS). Also called: NESCAV SYNDROME; KIF1A-Related Neurodevelopmental Disorder. Identifiers: Orphanet 662367, MedGen C5393830, MONDO:0013656, OMIM 614255.
Hereditary spastic paraplegia. Also called: Familial spastic paraparesis. Identifiers: Orphanet 685, MedGen C0037773, MONDO:0019064. Disease mechanism: loss of function.

Allele frequency attached by ClinVar (database versions not stated): ESP Exome Variant Server 0.00549; gnomAD exomes 0.01442 and 0.03925; gnomAD 0.02108 and 0.02523; TOPMed 0.03033; ExAC 0.03769; 1000 Genomes Project 30x 0.08026; 1000 Genomes Project 0.08706.
gnomAD v4.1: 25,464 of 1,612,268 alleles (1.6%); highest among the groups gnomAD compares: East Asian, 33%; 3,093 homozygotes.

Submissions (9):

Labcorp Genetics (formerly Invitae), Labcorp
Classification: Benign for Hereditary spastic paraplegia 30; Neuropathy, hereditary sensory, type 2C; Intellectual disability, autosomal dominant 9. Last evaluated: 2026-02-03. Review status: criteria provided, single submitter. Criteria: Invitae Variant Classification Sherloc (09022015). Collection method: clinical testing. Allele origin: germline.

Athena Diagnostics
Classification: Benign. Last evaluated: 2023-12-13. Review status: criteria provided, single submitter. Criteria: Athena Diagnostics Criteria. Collection method: clinical testing. Allele origin: unknown.

Illumina Laboratory Services, Illumina
Classification: Benign for Spastic paraplegia 30A, autosomal dominant. Last evaluated: 2018-01-13. Review status: criteria provided, single submitter. Criteria: ICSL Variant Classification Criteria 13 December 2019. Collection method: clinical testing. Allele origin: germline.
Comment: This variant was observed in the ICSL laboratory as part of a predisposition screen in an ostensibly healthy population. It had not been previously curated by ICSL or reported in the Human Gene Mutation Database (HGMD: prior to June 1st, 2018), and was therefore a candidate for classification through an automated scoring system. Utilizing variant allele frequency, disease prevalence and penetrance estimates, and inheritance mode, an automated score was calculated to assess if this variant is too frequent to cause the disease. Based on the score and internal cut-off values, a variant classified as benign is not then subjected to further curation. The score for this variant resulted in a classification of benign for this disease.

Mayo Clinic Laboratories, Mayo Clinic
Classification: Benign. Last evaluated: 2017-01-13. Review status: criteria provided, single submitter. Criteria: ACMG Guidelines, 2015. Collection method: clinical testing. Allele origin: germline. Observed: 47 variant alleles.

Genome Diagnostics Laboratory, The Hospital for Sick Children
Classification: Benign for Hereditary spastic paraplegia. Last evaluated: 2016-12-12. Review status: criteria provided, single submitter. Criteria: ACMG Guidelines, 2015. Collection method: clinical testing. Allele origin: germline. Affected: yes.

Ambry Genetics
Classification: Benign for Inborn genetic diseases. Last evaluated: 2016-03-11. Review status: criteria provided, single submitter. Criteria: Ambry Variant Classification Scheme 2023. Collection method: clinical testing. Allele origin: germline.

GeneDx
Classification: Benign. Last evaluated: 2014-02-28. Review status: criteria provided, single submitter. Criteria: GeneDx Variant Classification (06012015). Collection method: clinical testing. Allele origin: germline. Affected: yes.
Comment: This variant is considered likely benign or benign based on one or more of the following criteria: it is a conservative change, it occurs at a poorly conserved position in the protein, it is predicted to be benign by multiple in silico algorithms, and/or has population frequency not consistent with disease.

Breakthrough Genomics
Classification: Benign. Review status: criteria provided, single submitter. Criteria: ACMG Guidelines, 2015. Collection method: not provided. Allele origin: germline. Inheritance: Autosomal recessive inheritance. Affected: yes.

Genetic Services Laboratory, University of Chicago
Classification: Likely benign for AllHighlyPenetrant. Review status: no assertion criteria provided. Collection method: clinical testing. Allele origin: germline. Not counted in ClinVar's aggregate classification.
Comment: Likely benign based on allele frequency in 1000 Genomes Project or ESP global frequency and its presence in a patient with a rare or unrelated disease phenotype. NOT Sanger confirmed.